The following is an entry in ClinVar:

ClinVar aggregate classification (germline): Pathogenic/Likely pathogenic. Review status: criteria provided, multiple submitters, no conflicts (2 of 4 stars). 6 submissions from 6 submitters: Pathogenic (1); Likely pathogenic (5). Last evaluated 2026-08-18.

Conditions:
ARL13B-related disorder. Also called: ARL13B-related condition.
Joubert syndrome and related disorders. Identifiers: Orphanet 140874, MedGen C5679612, MONDO:0015369.
Joubert syndrome 8 (JBTS8). Identifiers: Orphanet 475, MedGen C2676771, MONDO:0012855, OMIM 612291.

Submissions (6):

PreventionGenetics, part of Exact Sciences
Classification: Likely pathogenic for ARL13B-related condition. Last evaluated: 2026-08-18. Review status: criteria provided, single submitter. Criteria: ACMG Guidelines, 2015. Collection method: clinical testing. Allele origin: germline.
Comment: The ARL13B c.830dupA variant is predicted to result in a frameshift and premature protein termination (p.Asn277Lysfs*9). This variant has been reported in compound heterozygous state with another ARL13B variant in an individual with Joubert syndrome (FIgure 2a, Lin et al. 2024. PubMed ID: 38219074). This variant is reported in 0.021% of alleles in individuals of African descent in gnomAD. This variant is assessed as pathogenic and likely pathogenic in ClinVar (Variation ID: 631931). Frameshift variants in ARL13B are expected to be pathogenic. This variant is interpreted as likely pathogenic.

Labcorp Genetics (formerly Invitae), Labcorp
Classification: Pathogenic for Joubert syndrome 8. Last evaluated: 2025-12-09. Review status: criteria provided, single submitter. Criteria: Invitae Variant Classification Sherloc (09022015). Collection method: clinical testing. Allele origin: germline.
Comment: This sequence change creates a premature translational stop signal (p.Asn277Lysfs*9) in the ARL13B gene. It is expected to result in an absent or disrupted protein product. Loss-of-function variants in ARL13B are known to be pathogenic (PMID: 18674751). The frequency data for this variant in the population databases is considered unreliable, as metrics indicate poor data quality at this position in the gnomAD database. This variant has not been reported in the literature in individuals affected with ARL13B-related conditions. ClinVar contains an entry for this variant (Variation ID: 631931). For these reasons, this variant has been classified as Pathogenic.

Blueprint Genetics
Classification: Likely pathogenic for ARL13B-related disorders. Last evaluated: 2024-08-29. Review status: criteria provided, single submitter. Criteria: ACMG Guidelines, 2015. Collection method: clinical testing. Allele origin: germline. Affected: yes. Observed: 5 variant alleles.

Women's Health and Genetics/Laboratory Corporation of America, LabCorp
Classification: Likely pathogenic for Joubert syndrome and related disorders. Last evaluated: 2021-12-01. Review status: criteria provided, single submitter. Criteria: LabCorp Variant Classification Summary - May 2015. Collection method: clinical testing. Allele origin: germline.
Comment: Variant summary: ARL13B c.830dupA (p.Asn277LysfsX9) results in a premature termination codon, predicted to cause a truncation of the encoded protein or absence of the protein due to nonsense mediated decay, which are commonly known mechanisms for disease. Truncations downstream of this position have been classified as pathogenic in ClinVar database. The variant allele was found at a frequency of 0.00012 in 241834 control chromosomes (gnomAD). This frequency is not significantly higher than expected for a pathogenic variant in ARL13B causing Joubert Syndrome And Related Disorders (0.00012 vs 0.0004), allowing no conclusion about variant significance. To our knowledge, no occurrence of c.830dupA in individuals affected with Joubert Syndrome And Related Disorders and no experimental evidence demonstrating its impact on protein function have been reported. Two ClinVar submitters (evaluation after 2014) cite the variant as uncertain significance and pathogenic. Based on the evidence outlined above, the variant was classified as likely pathogenic.

Greenwood Genetic Center Diagnostic Laboratories, Greenwood Genetic Center
Classification: Likely pathogenic for Joubert syndrome 8. Last evaluated: 2021-07-06. Review status: criteria provided, single submitter. Criteria: ACMG Guidelines, 2015. Collection method: clinical testing. Allele origin: germline. Affected: yes.
Comment: PVS1, PM2

Juno Genomics, Hangzhou Juno Genomics, Inc
Classification: Likely pathogenic for Joubert syndrome 8. Review status: criteria provided, single submitter. Criteria: ACMG Guidelines, 2015. Collection method: clinical testing. Allele origin: germline.
Comment: Null variant in a gene where loss of function (LOF) is a known mechanism of disease.;Absent from controls (or at extremely low frequency if recessive) in Genome Aggregation Database.

Literature cited by the submitters: PubMed 18674751 (cited by Labcorp Genetics (formerly Invitae), Labcorp).

NM_001174150.2(ARL13B):c.830dup (p.Asn277fs)

Gene: ARL13B (ARF like GTPase 13B; plus strand). Cytogenetic location: 3q11.2.
Variant type: Duplication.
Coding change: c.830dup on transcript NM_001174150.2 (MANE Select); coding-DNA position 830, one base duplicated (A; older notation c.830dupA).
Protein change: p.Asn277fs; shifts the reading frame from asparagine 277.
Molecular consequence: frameshift variant. On other transcripts: non-coding transcript variant (2).
Genome position (GRCh38, 1-based): chr3:94,043,046, A duplicated; the last of 8 consecutive A bases (chr3:94,043,039-94,043,046); duplicating any one gives the same sequence. VCF-style (leftmost placement, unchanged base first): chr3-94043038-G-GA. GRCh37 (hg19) VCF-style: chr3-93761882-G-GA.
Other names: c.521dup, p.Asn174fs (NM_001174151.2); c.785dup, p.Asn262fs (NM_001321328.2); c.509dup, p.Asn170fs (NM_144996.4); c.830dup, p.Asn277fs (NM_182896.3); short protein forms N174fs, N262fs, N170fs, N277fs.
Identifiers: ClinVar variation 631931 (VCV000631931.18), dbSNP rs752472169, ClinGen allele CA2504190.